The following is an entry in ClinVar:

NM_014913.4(ADNP2):c.2029T>G (p.Ser677Ala)

Gene: ADNP2 (ADNP homeobox 2; plus strand). Cytogenetic location: 18q23.
Variant type: single nucleotide variant.
Coding change: c.2029T>G on transcript NM_014913.4 (MANE Select); coding-DNA position 2029, T replaced by G.
Protein change: p.Ser677Ala; replaces serine 677 with alanine.
Molecular consequence: missense variant.
Genome position (GRCh38, 1-based): chr18:80,137,442, T>G. VCF-style: chr18-80137442-T-G. GRCh37 (hg19) VCF-style: chr18-77895325-T-G.
Other names: short protein forms S677A.
Identifiers: ClinVar variation 3770466 (VCV003770466.13).

ClinVar aggregate classification (germline): Likely benign (1 of 4 stars; one submission).

gnomAD v4.1: 11,511 of 1,614,118 alleles (0.71%); highest among the groups gnomAD compares: Non-Finnish European, 0.9%; 69 homozygotes.

Submission:

CeGaT Center for Human Genetics Tuebingen
Classification: Likely benign. Last evaluated: 2025-02-01. Review status: criteria provided, single submitter. Criteria: CeGaT Center For Human Genetics Tuebingen Variant Classification Criteria Version 2. Collection method: clinical testing. Allele origin: germline. Affected: yes. Observed: 1 variant allele.
Comment: ADNP2: BP4, BS2